The following is an entry in ClinVar:

ClinVar aggregate classification (germline): Uncertain significance (1 of 4 stars; one submission).

Conditions:
Inborn genetic diseases. Identifiers: MedGen C0950123, MeSH D030342.

Allele frequency attached by ClinVar (database versions not stated): gnomAD exomes below 0.00001; TOPMed below 0.00001; ExAC 0.00001; gnomAD 0.00001.
gnomAD v4.1: 4 of 1,612,980 alleles (0.00025%); highest among the groups gnomAD compares: African/African-American, 0.004%; no homozygotes.

Submission:

Ambry Genetics
Classification: Uncertain significance for Inborn genetic diseases. Last evaluated: 2022-10-09. Review status: criteria provided, single submitter. Criteria: Ambry Variant Classification Scheme 2023. Collection method: clinical testing. Allele origin: germline.
Comment: The p.A838S variant (also known as c.2512G>T), located in coding exon 17 of the MIB1 gene, results from a G to T substitution at nucleotide position 2512. The alanine at codon 838 is replaced by serine, an amino acid with similar properties. This amino acid position is conserved. In addition, the in silico prediction for this alteration is inconclusive. Since supporting evidence is limited at this time, the clinical significance of this alteration remains unclear.

NM_020774.4(MIB1):c.2512G>T (p.Ala838Ser)

Gene: MIB1 (MIB E3 ubiquitin protein ligase 1; plus strand). Cytogenetic location: 18q11.2.
Variant type: single nucleotide variant.
Coding change: c.2512G>T on transcript NM_020774.4 (MANE Select); coding-DNA position 2512, G replaced by T.
Protein change: p.Ala838Ser; replaces alanine 838 with serine.
Molecular consequence: missense variant.
Genome position (GRCh38, 1-based): chr18:21,849,314, G>T. VCF-style: chr18-21849314-G-T. GRCh37 (hg19) VCF-style: chr18-19429275-G-T.
Other names: short protein forms A838S.
Identifiers: ClinVar variation 1792421 (VCV001792421.2), dbSNP rs779026965, ClinGen allele CA8908624.